The following is an entry in ClinVar:

NM_203447.4(DOCK8):c.952G>A (p.Ala318Thr)

Gene: DOCK8 (dedicator of cytokinesis 8; plus strand). Cytogenetic location: 9p24.3.
Variant type: single nucleotide variant.
Coding change: c.952G>A on transcript NM_203447.4 (MANE Select); coding-DNA position 952, G replaced by A.
Protein change: p.Ala318Thr; replaces alanine 318 with threonine.
Molecular consequence: missense variant.
Genome position (GRCh38, 1-based): chr9:328,079, G>A. VCF-style: chr9-328079-G-A. GRCh37 (hg19) VCF-style: chr9-328079-G-A.
Other names: c.748G>A, p.Ala250Thr (NM_001190458.2, NM_001193536.2); short protein forms A318T, A250T.
Identifiers: ClinVar variation 235223 (VCV000235223.24), dbSNP rs35482838, ClinGen allele CA4957541.
Genomic context (GRCh38, chr9:328,079, plus strand): 5'-CAGATCTCAGAAAATTTTCACTGTGACCTGAACTCTGACCAGTTCAAAGGATTTCTGCGA[G>A]CTCACACGCCTTCAGTGGCCGCATCAAGTCAGGCGAGATCTGCAGTCTTCTCAGTCACCT-3'
Protein context (NP_982272.2, residues 308-328): NSDQFKGFLR[Ala318Thr]HTPSVAASSQ

ClinVar aggregate classification (germline): Benign/Likely benign. Review status: criteria provided, multiple submitters, no conflicts (2 of 4 stars). 8 submissions from 8 submitters: Benign (7); Likely benign (1). Last evaluated 2026-02-01.

Conditions:
Combined immunodeficiency due to DOCK8 deficiency (HIES2). Also called: HIES autosomal recessive; HYPER-IgE SYNDROME 2, AUTOSOMAL RECESSIVE, WITH RECURRENT INFECTIONS; HYPER-IgE RECURRENT INFECTION SYNDROME 2, AUTOSOMAL RECESSIVE; DOCK8 Deficiency; Hyper-IgE recurrent infection syndrome, autosomal recessive. Identifiers: Orphanet 217390, MedGen C4722305, MONDO:0009478, OMIM 243700.

Allele frequency attached by ClinVar (database versions not stated): gnomAD exomes 0.00208 and 0.00559; ExAC 0.00689; gnomAD 0.02136 and 0.02279; TOPMed 0.02415; ESP Exome Variant Server 0.02460; 1000 Genomes Project 0.02496; 1000 Genomes Project 30x 0.02951.
gnomAD v4.1: 6,402 of 1,614,150 alleles (0.4%); highest among the groups gnomAD compares: African/African-American, 7.6%; 241 homozygotes.

Submissions (8):

Labcorp Genetics (formerly Invitae), Labcorp
Classification: Benign for Combined immunodeficiency due to DOCK8 deficiency. Last evaluated: 2026-02-01. Review status: criteria provided, single submitter. Criteria: Invitae Variant Classification Sherloc (09022015). Collection method: clinical testing. Allele origin: germline.

Women's Health and Genetics/Laboratory Corporation of America, LabCorp
Classification: Likely benign. Last evaluated: 2026-01-22. Review status: criteria provided, single submitter. Criteria: LabCorp Variant Classification Summary - May 2015. Collection method: clinical testing. Allele origin: germline.

Mayo Clinic Laboratories, Mayo Clinic
Classification: Benign. Last evaluated: 2019-03-18. Review status: criteria provided, single submitter. Criteria: ACMG Guidelines, 2015. Collection method: clinical testing. Allele origin: germline. Observed: 16 variant alleles.

Illumina Laboratory Services, Illumina
Classification: Benign for Combined immunodeficiency due to DOCK8 deficiency. Last evaluated: 2018-01-12. Review status: criteria provided, single submitter. Criteria: ICSL Variant Classification Criteria 13 December 2019. Collection method: clinical testing. Allele origin: germline.
Comment: This variant was observed in the ICSL laboratory as part of a predisposition screen in an ostensibly healthy population. It had not been previously curated by ICSL or reported in the Human Gene Mutation Database (HGMD: prior to June 1st, 2018), and was therefore a candidate for classification through an automated scoring system. Utilizing variant allele frequency, disease prevalence and penetrance estimates, and inheritance mode, an automated score was calculated to assess if this variant is too frequent to cause the disease. Based on the score and internal cut-off values, a variant classified as benign is not then subjected to further curation. The score for this variant resulted in a classification of benign for this disease.

Center for Pediatric Genomic Medicine, Children's Mercy Hospital and Clinics
Classification: Benign. Last evaluated: 2015-06-04. Review status: criteria provided, single submitter. Criteria: ACMG Guidelines, 2015. Collection method: clinical testing. Allele origin: germline.

GeneDx
Classification: Benign. Last evaluated: 2015-03-03. Review status: criteria provided, single submitter. Criteria: GeneDx Variant Classification Process June 2021. Collection method: clinical testing. Allele origin: germline. Affected: yes.

Laboratory for Molecular Medicine, Mass General Brigham Personalized Medicine
Classification: Benign. Last evaluated: 2013-02-21. Review status: criteria provided, single submitter. Criteria: LMM Criteria. Collection method: clinical testing. Allele origin: germline. Observed: 1 variant allele.
Comment: Ala318Thr in exon 9 of DOCK8: This variant is not expected to have clinical sign ificance because it has been identified in 7.3% (320/4406) of African American c hromosomes from a broad population by the NHLBI Exome Sequencing Project (dbSNP rs35482838).

Breakthrough Genomics
Classification: Benign. Review status: criteria provided, single submitter. Criteria: ACMG Guidelines, 2015. Collection method: not provided. Allele origin: germline. Inheritance: Autosomal recessive inheritance. Affected: yes.